The following is an entry in ClinVar:

NM_001735.3(C5):c.1001-3T>C

Gene: C5 (complement C5; minus strand). Cytogenetic location: 9q33.2.
Variant type: single nucleotide variant.
Coding change: c.1001-3T>C on transcript NM_001735.3 (MANE Select); 3 bases into the intron before coding-DNA position 1001, T replaced by C.
Molecular consequence: intron variant.
Genome position (GRCh38, 1-based): chr9:121,023,522, A>G on the plus strand (T>C on the coding strand, the complement: C5 is on the minus strand). VCF-style: chr9-121023522-A-G. GRCh37 (hg19) VCF-style: chr9-123785800-A-G.
Other names: c.1019-3T>C (NM_001317163.2); c.1001-3T>C (NM_001317164.2).
Identifiers: ClinVar variation 2049119 (VCV002049119.2), dbSNP rs141694108, ClinGen allele CA5218180.
Genomic context (GRCh38, chr9:121,023,522, plus strand): 5'-TTGTAGGGAGAGAGGACATATTTGATGCCAGGTATTTCTGCCTCTTCAGAAAATCCACCT[A>G]AGGAAATGGCAAGCATCATGTTGACAGTTTTTAGGAGTATCATGATCTGTATGGATATCC-3'

ClinVar aggregate classification (germline): Conflicting classifications of pathogenicity. Review status: criteria provided, conflicting classifications (1 of 4 stars). 2 submissions from 2 submitters: Uncertain significance (1); Likely benign (1). Last evaluated 2024-09-17.

Allele frequency attached by ClinVar (database versions not stated): ExAC 0.00002; TOPMed 0.00002; gnomAD 0.00004; gnomAD exomes 0.00006; 1000 Genomes Project 30x 0.00016; 1000 Genomes Project 0.00020.
gnomAD v4.1: 83 of 1,553,426 alleles (0.0053%); highest among the groups gnomAD compares: Non-Finnish European, 0.0069%; no homozygotes.

Submissions (2):

Blueprint Genetics
Classification: Likely benign. Last evaluated: 2024-09-17. Review status: criteria provided, single submitter. Criteria: ACMG Guidelines, 2015. Collection method: clinical testing. Allele origin: germline.

Labcorp Genetics (formerly Invitae), Labcorp
Classification: Uncertain significance. Last evaluated: 2022-08-19. Review status: criteria provided, single submitter. Criteria: Invitae Variant Classification Sherloc (09022015). Collection method: clinical testing. Allele origin: germline.
Comment: This sequence change falls in intron 9 of the C5 gene. It does not directly change the encoded amino acid sequence of the C5 protein. It affects a nucleotide within the consensus splice site. This variant is present in population databases (rs141694108, gnomAD 0.006%). This variant has not been reported in the literature in individuals affected with C5-related conditions. Variants that disrupt the consensus splice site are a relatively common cause of aberrant splicing (PMID: 17576681, 9536098). Algorithms developed to predict the effect of sequence changes on RNA splicing suggest that this variant is not likely to affect RNA splicing. In summary, the available evidence is currently insufficient to determine the role of this variant in disease. Therefore, it has been classified as a Variant of Uncertain Significance.

Literature cited by the submitters: PubMed 17576681 (cited by Labcorp Genetics (formerly Invitae), Labcorp); PubMed 9536098 (cited by Labcorp Genetics (formerly Invitae), Labcorp).